The following is an entry in ClinVar:

ClinVar aggregate classification (germline): Likely pathogenic (1 of 4 stars; one submission).

Conditions:
Gastrointestinal defects and immunodeficiency syndrome 2 (GIDID2). Also called: MULTIPLE INTESTINAL ATRESIA WITH OR WITHOUT LEUKOPENIA. Identifiers: MedGen C5676901, MONDO:0030669, OMIM 619708.

Submission:

Molecular Genetics Department, Kulakov National Medical Research Center for Obstetrics, Gynecology and Perinatology
Classification: Likely pathogenic for Gastrointestinal defects and immunodeficiency syndrome 2. Review status: criteria provided, single submitter. Criteria: ACMG Guidelines, 2015. Collection method: clinical testing. Allele origin: germline. Affected: yes. Observed: 1 variant allele.
Comment: A previously undescribed heterozygous nucleotide variant creates a frameshift p.His1097ProfsTer25 in the PI4KA gene. Homozygous and compound heterozygous variants are reported in patients with gastrointestinal defects and immunodeficiency syndrome 2, 619708. The variant is not present in population database (gnomAD no frequency). In summary, the currently available evidence indicates that the variant is pathogenic, but additional data are needed to prove that conclusively. Therefore, this variant has been classified as likely pathogenic.

NM_058004.4(PI4KA):c.3290_3302del (p.His1097fs)

Gene: PI4KA (phosphatidylinositol 4-kinase alpha; minus strand). Cytogenetic location: 22q11.21.
Variant type: Deletion.
Coding change: c.3290_3302del on transcript NM_058004.4 (MANE Select); coding-DNA positions 3290 to 3302, 13 bases deleted (ACACGGGGCTGGC).
Protein change: p.His1097fs; shifts the reading frame from histidine 1097.
Molecular consequence: frameshift variant.
Genome position (GRCh38, 1-based): chr22:20,747,644-20,747,656, GCCAGCCCCGTGT deleted on the plus strand (ACACGGGGCTGGC on the coding strand, the reverse complement: PI4KA is on the minus strand); deleting any 13 consecutive bases within chr22:20,747,644-20,747,658 gives the same sequence; the c. name uses the placement nearest the transcript's 3' end. VCF-style (leftmost placement, unchanged base first): chr22-20747643-GGCCAGCCCCGTGT-G. GRCh37 (hg19) VCF-style: chr22-21101931-GGCCAGCCCCGTGT-G.
Other names: c.3290_3302del, p.His1097fs (NM_001362862.2); c.3224_3236del, p.His1075fs (NM_001362863.2); short protein forms H1097fs, H1075fs.
Identifiers: ClinVar variation 4294426 (VCV004294426.1).
Genomic context (GRCh38, chr22:20,747,643, plus strand): 5'-CCCAAGAGTTGTGTTCTGCTTGTTGTAGCCAGCAAAGTGAAGGATGCTCTCAGTGGCCAT[GGCCAGCCCCGTGT>G]GCTGGGACAGTCCCGATACCCAGTTCTGATGTTTGTTCAGATATTCCTGAAATAGGAAAA-3'